The following is an entry in ClinVar:

NM_003001.5(SDHC):c.358C>A (p.Leu120Ile)

Gene: SDHC (succinate dehydrogenase complex subunit C; plus strand). Cytogenetic location: 1q23.3.
Variant type: single nucleotide variant.
Coding change: c.358C>A on transcript NM_003001.5 (MANE Select); coding-DNA position 358, C replaced by A.
Protein change: p.Leu120Ile; replaces leucine 120 with isoleucine.
Molecular consequence: missense variant. On other transcripts: non-coding transcript variant (1), intron variant (3).
Genome position (GRCh38, 1-based): chr1:161,356,793, C>A. VCF-style: chr1-161356793-C-A. GRCh37 (hg19) VCF-style: chr1-161326583-C-A.
Other names: c.256C>A, p.Leu86Ile (NM_001035512.3); c.199C>A, p.Leu67Ile (NM_001035513.3); c.478C>A, p.Leu160Ile (NM_001407115.1); c.301C>A, p.Leu101Ile (NM_001407116.1); c.295C>A, p.Leu99Ile (NM_001407117.1); c.250C>A, p.Leu84Ile (NM_001407118.1); c.247C>A, p.Leu83Ile (NM_001407119.1, NM_001407120.1); c.242-5536C>A (NM_001035511.3); and 2 more; short protein forms L86I, L67I, L83I, L84I, L99I, L101I, L120I, L160I.
Identifiers: ClinVar variation 3951408 (VCV003951408.1).

ClinVar aggregate classification (germline): Uncertain significance (1 of 4 stars; one submission).

Conditions:
Hereditary cancer-predisposing syndrome. Also called: Tumor predisposition; Hereditary neoplastic syndrome; Hereditary Cancer Syndrome; Neoplastic Syndromes, Hereditary. Identifiers: Orphanet 140162, MedGen C0027672, MeSH D009386, MONDO:0015356.

Submission:

Ambry Genetics
Classification: Uncertain significance for Hereditary cancer-predisposing syndrome. Last evaluated: 2025-04-05. Review status: criteria provided, single submitter. Criteria: Ambry Variant Classification Scheme 2023. Collection method: clinical testing. Allele origin: germline.
Comment: The p.L120I variant (also known as c.358C>A), located in coding exon 5 of the SDHC gene, results from a C to A substitution at nucleotide position 358. The leucine at codon 120 is replaced by isoleucine, an amino acid with highly similar properties. This amino acid position is conserved. In addition, the in silico prediction for this alteration is inconclusive. Based on the available evidence, the clinical significance of this variant remains unclear.